The following is an entry in ClinVar:

ClinVar aggregate classification (germline): Benign/Likely benign. Review status: criteria provided, multiple submitters, no conflicts (2 of 4 stars). 4 submissions from 4 submitters: Benign (2); Likely benign (2). Last evaluated 2018-06-14.

Allele frequency attached by ClinVar (database versions not stated): ESP Exome Variant Server 0.09342; gnomAD exomes 0.08247; ExAC 0.08368; gnomAD 0.08946 and 0.09173; 1000 Genomes Project 0.07568; 1000 Genomes Project 30x 0.07870; TOPMed 0.09263.
gnomAD v4.1: 143,707 of 1,612,104 alleles (8.9%); highest among the groups gnomAD compares: African/African-American, 10%; 6,722 homozygotes.

Submissions (4):

GeneDx
Classification: Benign. Last evaluated: 2018-06-14. Review status: criteria provided, single submitter. Criteria: GeneDx Variant Classification (06012015). Collection method: clinical testing. Allele origin: germline. Affected: yes.
Comment: This variant is considered likely benign or benign based on one or more of the following criteria: it is a conservative change, it occurs at a poorly conserved position in the protein, it is predicted to be benign by multiple in silico algorithms, and/or has population frequency not consistent with disease.

Eurofins Ntd Llc (ga)
Classification: Benign. Last evaluated: 2012-11-16. Review status: criteria provided, single submitter. Criteria: EGL Classification Definitions 2015. Collection method: clinical testing. Allele origin: germline. Observed: 12 variant alleles, 12 heterozygotes.

Breakthrough Genomics
Classification: Likely benign. Review status: criteria provided, single submitter. Criteria: ACMG Guidelines, 2015. Collection method: not provided. Allele origin: germline. Inheritance: Autosomal recessive inheritance. Affected: yes.

PreventionGenetics, part of Exact Sciences
Classification: Likely benign. Review status: criteria provided, single submitter. Criteria: ACMG Guidelines, 2015. Collection method: clinical testing. Allele origin: germline.

NM_001849.4(COL6A2):c.1735-30A>G

Gene: COL6A2 (collagen type VI alpha 2 chain; plus strand). Cytogenetic location: 21q22.3.
Variant type: single nucleotide variant.
Coding change: c.1735-30A>G on transcript NM_001849.4 (MANE Select); 30 bases into the intron before coding-DNA position 1735, A replaced by G.
Molecular consequence: intron variant.
Genome position (GRCh38, 1-based): chr21:46,124,855, A>G. VCF-style: chr21-46124855-A-G. GRCh37 (hg19) VCF-style: chr21-47544769-A-G.
Other names: c.1735-30A>G (NM_058175.3, NM_058174.3).
Identifiers: ClinVar variation 93919 (VCV000093919.7), dbSNP rs73382466, ClinGen allele CA147443.